The following is an entry in ClinVar:

NM_004706.4(ARHGEF1):c.542G>A (p.Arg181Gln)

Gene: ARHGEF1 (Rho guanine nucleotide exchange factor 1; plus strand). Cytogenetic location: 19q13.2.
Variant type: single nucleotide variant.
Coding change: c.542G>A on transcript NM_004706.4 (MANE Select); coding-DNA position 542, G replaced by A.
Protein change: p.Arg181Gln; replaces arginine 181 with glutamine.
Molecular consequence: missense variant.
Genome position (GRCh38, 1-based): chr19:41,892,777, G>A. VCF-style: chr19-41892777-G-A. GRCh37 (hg19) VCF-style: chr19-42396848-G-A.
Other names: c.443G>A, p.Arg148Gln (NM_198977.2); c.587G>A, p.Arg196Gln (NM_199002.2); short protein forms R148Q, R196Q, R181Q.
Identifiers: ClinVar variation 1465762 (VCV001465762.8), dbSNP rs782691132, ClinGen allele CA9465933.

ClinVar aggregate classification (germline): Uncertain significance (1 of 4 stars; one submission).

Allele frequency attached by ClinVar (database versions not stated): ExAC 0.00001; gnomAD 0.00001; gnomAD exomes 0.00001; TOPMed 0.00001.
gnomAD v4.1: 9 of 1,603,342 alleles (0.00056%); highest among the groups gnomAD compares: East Asian, 0.0067%; no homozygotes.

Submission:

Labcorp Genetics (formerly Invitae), Labcorp
Classification: Uncertain significance. Last evaluated: 2026-01-22. Review status: criteria provided, single submitter. Criteria: Invitae Variant Classification Sherloc (09022015). Collection method: clinical testing. Allele origin: germline.
Comment: This sequence change replaces arginine, which is basic and polar, with glutamine, which is neutral and polar, at codon 196 of the ARHGEF1 protein (p.Arg196Gln). This variant is present in population databases (rs782691132, gnomAD 0.01%). This variant has not been reported in the literature in individuals affected with ARHGEF1-related conditions. ClinVar contains an entry for this variant (Variation ID: 1465762). An algorithm developed to predict the effect of missense changes on protein structure and function (PolyPhen-2) suggests that this variant is likely to be tolerated. In summary, the available evidence is currently insufficient to determine the role of this variant in disease. Therefore, it has been classified as a Variant of Uncertain Significance.